The following is an entry in ClinVar:

ClinVar aggregate classification (germline): Uncertain significance (1 of 4 stars; one submission).

Conditions:
Alstrom syndrome (ALMS). Identifiers: Orphanet 64, MedGen C0268425, MONDO:0008763, OMIM 203800.

Submission:

Labcorp Genetics (formerly Invitae), Labcorp
Classification: Uncertain significance for Alstrom syndrome. Last evaluated: 2020-11-18. Review status: criteria provided, single submitter. Criteria: Invitae Variant Classification Sherloc (09022015). Collection method: clinical testing. Allele origin: germline.
Comment: This sequence change replaces arginine with glycine at codon 1945 of the ALMS1 protein (p.Arg1945Gly). The arginine residue is weakly conserved and there is a moderate physicochemical difference between arginine and glycine. This variant is not present in population databases (ExAC no frequency). This variant has not been reported in the literature in individuals with ALMS1-related conditions. Experimental studies and prediction algorithms are not available or were not evaluated, and the functional significance of this variant is currently unknown. In summary, the available evidence is currently insufficient to determine the role of this variant in disease. Therefore, it has been classified as a Variant of Uncertain Significance.

NM_001378454.1(ALMS1):c.5830A>G (p.Arg1944Gly)

Gene: ALMS1 (ALMS1 centrosome and basal body associated protein; plus strand). Cytogenetic location: 2p13.1.
Variant type: single nucleotide variant.
Coding change: c.5830A>G on transcript NM_001378454.1 (MANE Select); coding-DNA position 5830, A replaced by G.
Protein change: p.Arg1944Gly; replaces arginine 1944 with glycine.
Molecular consequence: missense variant.
Genome position (GRCh38, 1-based): chr2:73,452,357, A>G. VCF-style: chr2-73452357-A-G. GRCh37 (hg19) VCF-style: chr2-73679484-A-G.
Other names: c.5833A>G, p.Arg1945Gly (NM_015120.4); short protein forms R1944G, R1945G.
Identifiers: ClinVar variation 1909410 (VCV001909410.2), dbSNP rs2466106587, ClinGen allele CA347283445.
Genomic context (GRCh38, chr2:73,452,357, plus strand): 5'-CCTGGACAAGGTGACCGGAAGACTGAGATACCAACAGTACCTTTAAGTTACTACTCACGT[A>G]GAGAGAAGCCCAGTGTTATCTCTCAACAGGAGTTGCCAGACAGTCATCTCACAGAAGAGG-3'
Protein context (NP_001365383.1, residues 1934-1954): PTVPLSYYSR[Arg1944Gly]EKPSVISQQE